The following is an entry in ClinVar:

NM_178857.6(RP1L1):c.125G>T (p.Gly42Val)

Gene: RP1L1 (RP1 like 1). Cytogenetic location: 8p23.1.
Variant type: single nucleotide variant.
Coding change: c.125G>T on transcript NM_178857.6 (MANE Select); coding-DNA position 125, G replaced by T.
Protein change: p.Gly42Val; replaces glycine 42 with valine.
Molecular consequence: missense variant.
Genome position (GRCh38, 1-based): chr8:10,623,077, C>A on the plus strand (G>T on the coding strand, the complement: RP1L1 is on the minus strand). VCF-style: chr8-10623077-C-A. GRCh37 (hg19) VCF-style: chr8-10480587-C-A.
Other names: short protein forms G42V.
Identifiers: ClinVar variation 4808145 (VCV004808145.1).
Genomic context (GRCh38, chr8:10,623,077, plus strand): 5'-CTGAAGGTCTTAAAGGCGCGCTGGTGAACGGCCAGGCGGACCCCAGCAAACCGTGGATCC[C>A]CTCGCTTGAGGAAGGTGATCTTCTTGGCTGGCGTGACCTTGGTGACCGAGGGGGTGCGAG-3'
Protein context (NP_849188.4, residues 32-52): PAKKITFLKR[Gly42Val]DPRFAGVRLA

ClinVar aggregate classification (germline): Uncertain significance (1 of 4 stars; one submission).

Submission:

Labcorp Genetics (formerly Invitae), Labcorp
Classification: Uncertain significance. Last evaluated: 2025-03-05. Review status: criteria provided, single submitter. Criteria: Invitae Variant Classification Sherloc (09022015). Collection method: clinical testing. Allele origin: germline.
Comment: This sequence change replaces glycine, which is neutral and non-polar, with valine, which is neutral and non-polar, at codon 42 of the RP1L1 protein (p.Gly42Val). This variant is not present in population databases (gnomAD no frequency). This variant has not been reported in the literature in individuals affected with RP1L1-related conditions. Invitae Evidence Modeling of protein sequence and biophysical properties (such as structural, functional, and spatial information, amino acid conservation, physicochemical variation, residue mobility, and thermodynamic stability) has been performed for this missense variant. However, the output from this modeling did not meet the statistical confidence thresholds required to predict the impact of this variant on RP1L1 protein function. In summary, the available evidence is currently insufficient to determine the role of this variant in disease. Therefore, it has been classified as a Variant of Uncertain Significance.